The following is an entry in ClinVar:

ClinVar aggregate classification (germline): Uncertain significance (1 of 4 stars; one submission).

Conditions:
Pancreatic adenocarcinoma. Identifiers: MedGen C0281361, MONDO:0006047, HP:0006725.

Submission:

Labcorp Genetics (formerly Invitae), Labcorp
Classification: Uncertain significance for Pancreatic adenocarcinoma. Last evaluated: 2020-02-03. Review status: criteria provided, single submitter. Criteria: Invitae Variant Classification Sherloc (09022015). Collection method: clinical testing. Allele origin: germline.
Comment: The frequency data for this variant in the population databases is considered unreliable, as metrics indicate insufficient coverage at this position in the ExAC database. This variant has not been reported in the literature in individuals with PALLD-related conditions. Experimental studies and prediction algorithms are not available or were not evaluated, and the functional significance of this variant is currently unknown. In summary, the available evidence is currently insufficient to determine the role of this variant in disease. Therefore, it has been classified as a Variant of Uncertain Significance. This variant, c.252_254del, results in the deletion of 1 amino acid(s) of the PALLD protein (p.Ser85del), but otherwise preserves the integrity of the reading frame.

NM_001166108.2(PALLD):c.1965-12785CTC[2]

Gene: PALLD (palladin, cytoskeletal associated protein; plus strand). Cytogenetic location: 4q32.3.
Variant type: Microsatellite.
Coding change: c.1965-12785CTC[2] on transcript NM_001166108.2 (MANE Select); two copies in a row of the 3-base unit CTC starting at c.1965-12785; the reference has three copies in a row; one copy, 3 bases deleted.
Molecular consequence: intron variant. On other transcripts: inframe deletion (1).
Genome position (GRCh38, 1-based): chr4:168,878,143-168,878,145, CTC deleted; deleting any 3 consecutive bases within chr4:168,878,137-168,878,145 gives the same sequence; the position shown is the placement nearest the transcript's 3' end. VCF-style (leftmost placement, unchanged base first): chr4-168878136-GCTC-G. GRCh37 (hg19) VCF-style: chr4-169799287-GCTC-G.
Other names: c.246CTC[2], p.Ser85del (NM_001166110.2); c.1965-12785CTC[2] (NM_016081.4); c.819-12785CTC[2] (NM_001166109.2); c.-157-12785CTC[2] (NM_001367570.1, NM_001367568.1, NM_001367567.1 and 1 more transcripts); short protein forms S85del.
Identifiers: ClinVar variation 1005837 (VCV001005837.8), dbSNP rs1343996300, ClinGen allele CA790723279.